The following is an entry in ClinVar:

ClinVar aggregate classification (germline): Uncertain significance. Review status: criteria provided, multiple submitters, no conflicts (2 of 4 stars). 2 submissions from 2 submitters: Uncertain significance (2). Last evaluated 2024-05-28.

Allele frequency attached by ClinVar (database versions not stated): gnomAD 0.00001; gnomAD exomes 0.00001 and 0.00002; ExAC 0.00002; TOPMed 0.00002; ESP Exome Variant Server 0.00008.
gnomAD v4.1: 31 of 1,614,022 alleles (0.0019%); highest among the groups gnomAD compares: Middle Eastern, 0.016%; no homozygotes.

Submissions (2):

Blueprint Genetics
Classification: Uncertain significance. Last evaluated: 2024-05-28. Review status: criteria provided, single submitter. Criteria: ACMG Guidelines, 2015. Collection method: clinical testing. Allele origin: germline.

Labcorp Genetics (formerly Invitae), Labcorp
Classification: Uncertain significance. Last evaluated: 2021-09-24. Review status: criteria provided, single submitter. Criteria: Invitae Variant Classification Sherloc (09022015). Collection method: clinical testing. Allele origin: germline.
Comment: This sequence change replaces arginine with tryptophan at codon 444 of the CEP250 protein (p.Arg444Trp). The arginine residue is moderately conserved and there is a moderate physicochemical difference between arginine and tryptophan. This variant is present in population databases (rs371673891, ExAC 0.006%). This variant has not been reported in the literature in individuals with CEP250-related conditions. Algorithms developed to predict the effect of missense changes on protein structure and function are either unavailable or do not agree on the potential impact of this missense change (SIFT: "Not Available"; PolyPhen-2: "Probably Damaging"; Align-GVGD: "Not Available"). In summary, the available evidence is currently insufficient to determine the role of this variant in disease. Therefore, it has been classified as a Variant of Uncertain Significance.

NM_007186.6(CEP250):c.1330C>T (p.Arg444Trp)

Genes: CEP250 (centrosomal protein 250; plus strand), CEP250-AS1 (CEP250 antisense RNA 1; minus strand). Cytogenetic location: 20q11.22.
Variant type: single nucleotide variant.
Coding change: c.1330C>T on transcript NM_007186.6 (MANE Select); coding-DNA position 1330, C replaced by T.
Protein change: p.Arg444Trp; replaces arginine 444 with tryptophan.
Molecular consequence: missense variant. On other transcripts: 5 prime UTR variant (1).
Genome position (GRCh38, 1-based): chr20:35,473,494, C>T. VCF-style: chr20-35473494-C-T. GRCh37 (hg19) VCF-style: chr20-34061319-C-T.
Other names: c.-570C>T (NM_001318219.1); short protein forms R444W.
Identifiers: ClinVar variation 1392483 (VCV001392483.6), dbSNP rs371673891, ClinGen allele CA9832886.